The following is an entry in ClinVar:

NM_006269.2(RP1):c.5296A>C (p.Asn1766His)

Genes: RP1 (RP1 axonemal microtubule associated; plus strand), LOC126860392 (CDK7 strongly-dependent group 2 enhancer GRCh37_chr8:55541319-55542518; plus strand). Cytogenetic location: 8q12.1.
Variant type: single nucleotide variant.
Coding change: c.5296A>C on transcript NM_006269.2 (MANE Select); coding-DNA position 5296, A replaced by C.
Protein change: p.Asn1766His; replaces asparagine 1766 with histidine.
Molecular consequence: missense variant.
Genome position (GRCh38, 1-based): chr8:54,629,178, A>C. VCF-style: chr8-54629178-A-C. GRCh37 (hg19) VCF-style: chr8-55541738-A-C.
Other names: short protein forms N1766H.
Identifiers: ClinVar variation 363305 (VCV000363305.20), dbSNP rs147009600, ClinGen allele CA4752033.

ClinVar aggregate classification (germline): Conflicting classifications of pathogenicity. Review status: criteria provided, conflicting classifications (1 of 4 stars). 6 submissions from 6 submitters: Uncertain significance (4); Likely benign (2). Last evaluated 2026-07-13.

Conditions:
Inborn genetic diseases. Identifiers: MedGen C0950123, MeSH D030342.
RP1-related disorder. Also called: RP1-related condition.
Retinitis pigmentosa (RP). Identifiers: Orphanet 791, MedGen C0035334, MeSH D012174, MONDO:0019200, OMIM 268000. Inheritance: Autosomal dominant, autosomal recessive and X linked inheritance.

Allele frequency attached by ClinVar (database versions not stated): 1000 Genomes Project 30x 0.00031; gnomAD exomes 0.00036 and 0.00081; ExAC 0.00039; 1000 Genomes Project 0.00040; ESP Exome Variant Server 0.00046; gnomAD 0.00053 and 0.00064; TOPMed 0.00063.
gnomAD v4.1: 1,288 of 1,614,168 alleles (0.08%); highest among the groups gnomAD compares: Non-Finnish European, 0.096%; 1 homozygote.

Submissions (6):

PreventionGenetics, part of Exact Sciences
Classification: Uncertain significance for RP1-related condition. Last evaluated: 2026-07-13. Review status: criteria provided, single submitter. Criteria: ACMG Guidelines, 2015. Collection method: clinical testing. Allele origin: germline.
Comment: The RP1 c.5296A>C variant is predicted to result in the amino acid substitution p.Asn1766His. To our knowledge, this variant has not been reported in the literature. This variant is reported in 0.057% of alleles in individuals of European (Non-Finnish) descent in gnomAD, which may be too frequent to be a primary cause of disease. Although we suspect that this variant may be benign, at this time, the clinical significance of this variant is uncertain due to the absence of conclusive functional and genetic evidence.

CeGaT Center for Human Genetics Tuebingen
Classification: Likely benign. Last evaluated: 2025-12-01. Review status: criteria provided, single submitter. Criteria: CeGaT Center For Human Genetics Tuebingen Variant Classification Criteria Version 2. Collection method: clinical testing. Allele origin: germline. Affected: yes. Observed: 1 variant allele.
Comment: RP1: BP4

Labcorp Genetics (formerly Invitae), Labcorp
Classification: Uncertain significance. Last evaluated: 2025-12-01. Review status: criteria provided, single submitter. Criteria: Invitae Variant Classification Sherloc (09022015). Collection method: clinical testing. Allele origin: germline.
Comment: This sequence change replaces asparagine, which is neutral and polar, with histidine, which is basic and polar, at codon 1766 of the RP1 protein (p.Asn1766His). This variant is present in population databases (rs147009600, gnomAD 0.06%). This variant has not been reported in the literature in individuals affected with RP1-related conditions. ClinVar contains an entry for this variant (Variation ID: 363305). An algorithm developed to predict the effect of missense changes on protein structure and function outputs the following: PolyPhen-2: "Benign". The histidine amino acid residue is found in multiple mammalian species, which suggests that this missense change does not adversely affect protein function. In summary, the available evidence is currently insufficient to determine the role of this variant in disease. Therefore, it has been classified as a Variant of Uncertain Significance.

Blueprint Genetics
Classification: Likely benign. Last evaluated: 2024-11-18. Review status: criteria provided, single submitter. Criteria: ACMG Guidelines, 2015. Collection method: clinical testing. Allele origin: germline.

Ambry Genetics
Classification: Uncertain significance for Inborn genetic diseases. Last evaluated: 2024-07-15. Review status: criteria provided, single submitter. Criteria: Ambry Variant Classification Scheme 2023. Collection method: clinical testing. Allele origin: germline.

Illumina Laboratory Services, Illumina
Classification: Uncertain significance for Retinitis pigmentosa. Last evaluated: 2018-01-12. Review status: criteria provided, single submitter. Criteria: ICSL Variant Classification Criteria 13 December 2019. Collection method: clinical testing. Allele origin: germline.